The following is an entry in ClinVar:

NM_001754.5(RUNX1):c.*2840A>T

Gene: RUNX1 (RUNX family transcription factor 1; minus strand). Cytogenetic location: 21q22.12.
Variant type: single nucleotide variant.
Coding change: c.*2840A>T on transcript NM_001754.5 (MANE Select); 2840 bases downstream of the stop codon, A replaced by T.
Molecular consequence: 3 prime UTR variant.
Genome position (GRCh38, 1-based): chr21:34,789,295, T>A on the plus strand (A>T on the coding strand, the complement: RUNX1 is on the minus strand). VCF-style: chr21-34789295-T-A. GRCh37 (hg19) VCF-style: chr21-36161592-T-A.
Other names: c.*2840A>T (NM_001001890.3).
Identifiers: ClinVar variation 339818 (VCV000339818.6), dbSNP rs188812411, ClinGen allele CA10653553.

ClinVar aggregate classification (germline): Benign. Review status: reviewed by expert panel (3 of 4 stars). 2 submissions from 2 submitters: Benign (1). 1 of the submissions does not count toward it. Last evaluated 2023-11-13.

Conditions:
Hereditary thrombocytopenia and hematologic cancer predisposition syndrome. Identifiers: Orphanet 71290, MedGen CN281654, MONDO:0011071.
Hereditary thrombocytopenia and hematological cancer predisposition syndrome associated with RUNX1. Also called: PLATELET DISORDER, ASPIRIN-LIKE; RUNX1 Familial Platelet Disorder with Associated Myeloid Malignancies; Familial Platelet Disorder with Propensity to Acute Myelogenous Leukemia; Familial thrombocytopenia with propensity to acute myelogenous leukemia. Identifiers: Orphanet 71290, MedGen C1832388, MeSH C563324, MONDO:0100083, OMIM 601399.

Allele frequency attached by ClinVar (database versions not stated): gnomAD 0.00027; TOPMed 0.00030; 1000 Genomes Project 30x 0.00031; gnomAD exomes 0.00035; 1000 Genomes Project 0.00040.
gnomAD v4.1: 68 of 232,158 alleles (0.029%); highest among the groups gnomAD compares: Middle Eastern, 0.13%; no homozygotes.

Submissions (2):

ClinGen Myeloid Malignancy Variant Curation Expert Panel
Classification: Benign for Hereditary thrombocytopenia and hematologic cancer predisposition syndrome. Last evaluated: 2023-11-13. Review status: reviewed by expert panel. Criteria: ClinGen MyeloMalig ACMG Specifications v2. Collection method: curation. Allele origin: germline. Inheritance: Autosomal dominant inheritance.
Comment: NM_001754.5(RUNX1):c.*2840A>T is an intronic variant. Highest MAF at 0.0002 (0.02%, 3/15346,) in the European (Non-Finnish) subpopulation of gnomAD v2 cohort is between 0.00015 (0.015%) and 0.0015 (0.15%). Including alleles from gonmAD v3, variant present in >= 5 alleles (BS1). REVEL Score is not applicable and SpliceAI <=0.20 (0.00) (BP4). Evolutionary conservation prediction algorithms predict the site as not being conserved (PhyloP score 0.311 < 2.0). In summary, this variant meets criteria to be classified as benign. ACMG/AMP criteria applied, as specified by the Myeloid Malignancy Variant Curation Expert Panel for RUNX1: BS1, BP4, BP7

Illumina Laboratory Services, Illumina
Classification: Uncertain significance for Hereditary thrombocytopenia and hematological cancer predisposition syndrome associated with RUNX1. Last evaluated: 2018-01-13. Review status: criteria provided, single submitter. Criteria: ICSL Variant Classification Criteria 13 December 2019. Collection method: clinical testing. Allele origin: germline. Not counted in ClinVar's aggregate classification.